The following is an entry in ClinVar:

NM_016373.4(WWOX):c.606-296G>C

Gene: WWOX (WW domain containing oxidoreductase; plus strand). Cytogenetic location: 16q23.1.
Variant type: single nucleotide variant.
Coding change: c.606-296G>C on transcript NM_016373.4 (MANE Select); 296 bases into the intron before coding-DNA position 606, G replaced by C.
Molecular consequence: intron variant.
Genome position (GRCh38, 1-based): chr16:78,424,574, G>C. VCF-style: chr16-78424574-G-C. GRCh37 (hg19) VCF-style: chr16-78458471-G-C.
Other names: c.267-296G>C (NM_001291997.2).
Identifiers: ClinVar variation 669021 (VCV000669021.1), dbSNP rs8057749, ClinGen allele CA16529106.

ClinVar aggregate classification (germline): Benign (1 of 4 stars; one submission).

Allele frequency attached by ClinVar (database versions not stated): 1000 Genomes Project 0.20847; TOPMed 0.17131; 1000 Genomes Project 30x 0.22017.
gnomAD v4.1: 23,579 of 152,070 alleles (16%); highest among the groups gnomAD compares: African/African-American, 45%; 4,484 homozygotes.

Submission:

GeneDx
Classification: Benign. Last evaluated: 2018-06-19. Review status: criteria provided, single submitter. Criteria: GeneDx Variant Classification (06012015). Collection method: clinical testing. Allele origin: germline. Affected: yes.
Comment: This variant is considered likely benign or benign based on one or more of the following criteria: it is a conservative change, it occurs at a poorly conserved position in the protein, it is predicted to be benign by multiple in silico algorithms, and/or has population frequency not consistent with disease.